The following is an entry in ClinVar:

ClinVar aggregate classification (germline): Uncertain significance (1 of 4 stars; one submission).

Conditions:
Wilms tumor 1 (WT1). Also called: Wilms tumor, somatic. Identifiers: Orphanet 654, MedGen CN033288, MONDO:0008679, OMIM 194070.

Submission:

Labcorp Genetics (formerly Invitae), Labcorp
Classification: Uncertain significance for Wilms tumor 1. Last evaluated: 2018-11-12. Review status: criteria provided, single submitter. Criteria: Invitae Variant Classification Sherloc (09022015). Collection method: clinical testing. Allele origin: germline.
Comment: In summary, the available evidence is currently insufficient to determine the role of this variant in disease. Therefore, it has been classified as a Variant of Uncertain Significance. Algorithms developed to predict the effect of missense changes on protein structure and function (SIFT, PolyPhen-2, Align-GVGD) all suggest that this variant is likely to be tolerated, but these predictions have not been confirmed by published functional studies and their clinical significance is uncertain. This variant has not been reported in the literature in individuals with GPC3-related disease. This variant is not present in population databases (ExAC no frequency). This sequence change replaces threonine with alanine at codon 34 of the GPC3 protein (p.Thr34Ala). The threonine residue is weakly conserved and there is a small physicochemical difference between threonine and alanine.

NM_004484.4(GPC3):c.100A>G (p.Thr34Ala)

Gene: GPC3 (glypican 3; minus strand). Cytogenetic location: Xq26.2.
Variant type: single nucleotide variant.
Coding change: c.100A>G on transcript NM_004484.4 (MANE Select); coding-DNA position 100, A replaced by G.
Protein change: p.Thr34Ala; replaces threonine 34 with alanine.
Molecular consequence: missense variant.
Genome position (GRCh38, 1-based): chrX:133,985,350, T>C on the plus strand (A>G on the coding strand, the complement: GPC3 is on the minus strand). VCF-style: chrX-133985350-T-C. GRCh37 (hg19) VCF-style: chrX-133119377-T-C.
Other names: c.100A>G, p.Thr34Ala (NM_001164617.2, NM_001164618.2, NM_001164619.2); short protein forms T34A.
Identifiers: ClinVar variation 643937 (VCV000643937.9), dbSNP rs1602581109, ClinGen allele CA414707040.